The following is an entry in ClinVar:

NM_206933.4(USH2A):c.1645-8del

Gene: USH2A (usherin; minus strand). Cytogenetic location: 1q41.
Variant type: Deletion.
Coding change: c.1645-8del on transcript NM_206933.4 (MANE Select); 8 bases into the intron before coding-DNA position 1645, one base deleted (T; older notation c.1645-8delT).
Molecular consequence: intron variant.
Genome position (GRCh38, 1-based): chr1:216,292,378, A deleted on the plus strand (T on the coding strand, the reverse complement: USH2A is on the minus strand); the first of 6 consecutive A bases (chr1:216,292,378-216,292,383); deleting any one gives the same sequence. VCF-style (leftmost placement, unchanged base first): chr1-216292377-CA-C. GRCh37 (hg19) VCF-style: chr1-216465719-CA-C.
Other names: c.1645-8del (NM_007123.6).
Identifiers: ClinVar variation 681394 (VCV000681394.11), dbSNP rs763490382, ClinGen allele CA1396436.

ClinVar aggregate classification (germline): Conflicting classifications of pathogenicity. Review status: criteria provided, conflicting classifications (1 of 4 stars). 5 submissions from 4 submitters: Uncertain significance (1); Benign (3); Likely benign (1). Last evaluated 2024-03-13.

Conditions:
Usher syndrome type 2A. Also called: USHER SYNDROME, TYPE IIA; RETINAL DISEASE IN USHER SYNDROME TYPE IIA, MODIFIER OF. Identifiers: Orphanet 231178, Orphanet 886, MedGen C1848634, MONDO:0010169, OMIM 276901.
Retinitis pigmentosa 39 (RP39). Identifiers: Orphanet 791, MedGen C3151138, MONDO:0013436, OMIM 613809.

Submissions (5):

Labcorp Genetics (formerly Invitae), Labcorp
Classification: Benign. Last evaluated: 2024-03-13. Review status: criteria provided, single submitter. Criteria: Invitae Variant Classification Sherloc (09022015). Collection method: clinical testing. Allele origin: germline.

Genome-Nilou Lab
Classification: Benign for Retinitis pigmentosa 39. Last evaluated: 2023-04-11. Review status: criteria provided, single submitter. Criteria: ACMG Guidelines, 2015. Collection method: clinical testing. Allele origin: germline. Affected: no.

Genome-Nilou Lab
Classification: Benign for Usher syndrome type 2A. Last evaluated: 2023-04-11. Review status: criteria provided, single submitter. Criteria: ACMG Guidelines, 2015. Collection method: clinical testing. Allele origin: germline. Affected: no.

Blueprint Genetics
Classification: Uncertain significance. Last evaluated: 2021-12-08. Review status: criteria provided, single submitter. Criteria: ACMG Guidelines, 2015. Collection method: clinical testing. Allele origin: germline.

GeneDx
Classification: Likely benign. Last evaluated: 2018-04-17. Review status: criteria provided, single submitter. Criteria: GeneDx Variant Classification (06012015). Collection method: clinical testing. Allele origin: germline. Affected: yes.
Comment: This variant is considered likely benign or benign based on one or more of the following criteria: it is a conservative change, it occurs at a poorly conserved position in the protein, it is predicted to be benign by multiple in silico algorithms, and/or has population frequency not consistent with disease.